The following is an entry in ClinVar:

ClinVar aggregate classification (germline): Conflicting classifications of pathogenicity. Review status: criteria provided, conflicting classifications (1 of 4 stars). 4 submissions from 4 submitters: Uncertain significance (1); Benign (1); Likely benign (2). Last evaluated 2026-01-31.

Conditions:
Nemaline myopathy 2 (NEM2). Also called: Nemaline myopathy 2, autosomal recessive. Identifiers: MedGen C1850569, MONDO:0009725, OMIM 256030.

Allele frequency attached by ClinVar (database versions not stated): gnomAD exomes 0.00009 and 0.00026; ExAC 0.00042; gnomAD 0.00102 and 0.00106; ESP Exome Variant Server 0.00111; TOPMed 0.00134; 1000 Genomes Project 0.00140; 1000 Genomes Project 30x 0.00141.
gnomAD v4.1: 292 of 1,551,224 alleles (0.019%); highest among the groups gnomAD compares: African/African-American, 0.32%; 1 homozygote.

Submissions (5):

Labcorp Genetics (formerly Invitae), Labcorp
Classification: Benign for Nemaline myopathy 2. Last evaluated: 2026-01-31. Review status: criteria provided, single submitter. Criteria: Invitae Variant Classification Sherloc (09022015). Collection method: clinical testing. Allele origin: germline.

GeneDx
Classification: Uncertain significance. Last evaluated: 2024-12-12. Review status: criteria provided, single submitter. Criteria: GeneDx Variant Classification Process June 2021. Collection method: clinical testing. Allele origin: germline. Affected: yes.
Comment: Has not been previously published as pathogenic or benign to our knowledge; In silico analysis suggests this variant may impact gene splicing. In the absence of RNA/functional studies, the actual effect of this sequence change is unknown.

Blueprint Genetics
Classification: Likely benign. Last evaluated: 2022-07-15. Review status: criteria provided, single submitter. Criteria: ACMG Guidelines, 2015. Collection method: clinical testing. Allele origin: germline.

Breakthrough Genomics
Classification: Likely benign. Review status: criteria provided, single submitter. Criteria: ACMG Guidelines, 2015. Collection method: not provided. Allele origin: germline. Inheritance: Autosomal recessive inheritance. Affected: yes.

Dr. Peter K. Rogan Lab, Western University
No classification provided (evidence only). Condition: Gastric cancer. Review status: no classification provided. Collection method: in vitro. Allele origin: not applicable. Functional consequence: retained intron. Not counted in ClinVar's aggregate classification.

NM_001164508.2(NEB):c.6808-11T>C

Gene: NEB (nebulin; minus strand). Cytogenetic location: 2q23.3.
Variant type: single nucleotide variant.
Coding change: c.6808-11T>C on transcript NM_001164508.2 (MANE Select); 11 bases into the intron before coding-DNA position 6808, T replaced by C.
Molecular consequence: intron variant.
Genome position (GRCh38, 1-based): chr2:151,654,110, A>G on the plus strand (T>C on the coding strand, the complement: NEB is on the minus strand). VCF-style: chr2-151654110-A-G. GRCh37 (hg19) VCF-style: chr2-152510624-A-G.
Other names: c.6808-11T>C (NM_004543.5, NM_001164507.2, NM_001271208.2).
Identifiers: ClinVar variation 391110 (VCV000391110.15), dbSNP rs199804593, ClinGen allele CA1909991.
Genomic context (GRCh38, chr2:151,654,110, plus strand): 5'-AGATCATAGCCTTTCTTCAAAGCTTCTTCCCATCCAAGTTTATAGAGTTTCTGAAAATTA[A>G]AGATATTCTTCAGCATTATTCTGTCTATATAAAGAATATCAATAGATTATTAGGGAAAAG-3'